The following is an entry in ClinVar:

NM_012310.5(KIF4A):c.3197A>G (p.Asp1066Gly)

Gene: KIF4A (kinesin family member 4A; plus strand). Cytogenetic location: Xq13.1.
Variant type: single nucleotide variant.
Coding change: c.3197A>G on transcript NM_012310.5 (MANE Select); coding-DNA position 3197, A replaced by G.
Protein change: p.Asp1066Gly; replaces aspartic acid 1066 with glycine.
Molecular consequence: missense variant.
Genome position (GRCh38, 1-based): chrX:70,407,017, A>G. VCF-style: chrX-70407017-A-G. GRCh37 (hg19) VCF-style: chrX-69626867-A-G.
Other names: short protein forms D1066G.
Identifiers: ClinVar variation 3899793 (VCV003899793.1).

ClinVar aggregate classification (germline): Uncertain significance (1 of 4 stars; one submission).

Submission:

GeneDx
Classification: Uncertain significance. Last evaluated: 2024-11-19. Review status: criteria provided, single submitter. Criteria: GeneDx Variant Classification Process June 2021. Collection method: clinical testing. Allele origin: germline. Affected: yes.
Comment: Not observed at significant frequency in large population cohorts (gnomAD); In silico analysis indicates that this missense variant does not alter protein structure/function; Has not been previously published as pathogenic or benign to our knowledge